The following is an entry in ClinVar:

ClinVar aggregate classification (germline): Uncertain significance (1 of 4 stars; one submission).

Allele frequency attached by ClinVar (database versions not stated): gnomAD 0.00001; TOPMed 0.00001.

Submission:

Labcorp Genetics (formerly Invitae), Labcorp
Classification: Uncertain significance. Last evaluated: 2023-11-08. Review status: criteria provided, single submitter. Criteria: Invitae Variant Classification Sherloc (09022015). Collection method: clinical testing. Allele origin: germline.
Comment: This sequence change replaces glycine, which is neutral and non-polar, with serine, which is neutral and polar, at codon 190 of the SFTPC protein (p.Gly190Ser). This variant is not present in population databases (gnomAD no frequency). This variant has not been reported in the literature in individuals affected with SFTPC-related conditions. An algorithm developed to predict the effect of missense changes on protein structure and function (PolyPhen-2) suggests that this variant is likely to be disruptive. In summary, the available evidence is currently insufficient to determine the role of this variant in disease. Therefore, it has been classified as a Variant of Uncertain Significance.

NM_001317778.2(SFTPC):c.550G>A (p.Gly184Ser)

Gene: SFTPC (surfactant protein C; plus strand). Cytogenetic location: 8p21.3.
Variant type: single nucleotide variant.
Coding change: c.550G>A on transcript NM_001317778.2 (MANE Select); coding-DNA position 550, G replaced by A.
Protein change: p.Gly184Ser; replaces glycine 184 with serine.
Molecular consequence: missense variant.
Genome position (GRCh38, 1-based): chr8:22,164,015, G>A. VCF-style: chr8-22164015-G-A. GRCh37 (hg19) VCF-style: chr8-22021528-G-A.
Other names: c.550G>A, p.Gly184Ser (NM_001172357.2, NM_001317780.2, NM_001385656.1 and 3 more transcripts); c.568G>A, p.Gly190Ser (NM_001172410.2, NM_001385653.1, NM_001385654.1 and 2 more transcripts); c.409G>A, p.Gly137Ser (NM_001317779.2, NM_001385660.1); short protein forms G137S, G184S, G190S.
Identifiers: ClinVar variation 2904024 (VCV002904024.3), dbSNP rs988060197, ClinGen allele CA173484067.